The following is an entry in ClinVar:

NM_014516.4(CNOT3):c.644A>G (p.Gln215Arg)

Gene: CNOT3 (CCR4-NOT transcription complex subunit 3; plus strand). Cytogenetic location: 19q13.42.
Variant type: single nucleotide variant.
Coding change: c.644A>G on transcript NM_014516.4 (MANE Select); coding-DNA position 644, A replaced by G.
Protein change: p.Gln215Arg; replaces glutamine 215 with arginine.
Molecular consequence: missense variant.
Genome position (GRCh38, 1-based): chr19:54,145,758, A>G. VCF-style: chr19-54145758-A-G. GRCh37 (hg19) VCF-style: chr19-54649494-A-G.
Other names: short protein forms Q215R.
Identifiers: ClinVar variation 3369510 (VCV003369510.1).

ClinVar aggregate classification (germline): Uncertain significance (1 of 4 stars; one submission).

Submission:

GeneDx
Classification: Uncertain significance. Last evaluated: 2024-02-20. Review status: criteria provided, single submitter. Criteria: GeneDx Variant Classification Process June 2021. Collection method: clinical testing. Allele origin: germline. Affected: yes.
Comment: Not observed at significant frequency in large population cohorts (gnomAD); In silico analysis supports that this missense variant has a deleterious effect on protein structure/function; Has not been previously published as pathogenic or benign to our knowledge